The following is an entry in ClinVar:

NM_003331.5(TYK2):c.2044_2045delinsAT (p.Glu682Ile)

Gene: TYK2 (tyrosine kinase 2; minus strand). Cytogenetic location: 19p13.2.
Variant type: Indel.
Coding change: c.2044_2045delinsAT on transcript NM_003331.5 (MANE Select); coding-DNA positions 2044 to 2045, GA replaced by AT.
Protein change: p.Glu682Ile; replaces glutamic acid 682 with isoleucine.
Molecular consequence: missense variant.
Genome position (GRCh38, 1-based): chr19:10,361,513-10,361,514, TC replaced by AT on the plus strand (GA replaced by AT on the coding strand, the reverse complement: TYK2 is on the minus strand). VCF-style: chr19-10361513-TC-AT. GRCh37 (hg19) VCF-style: chr19-10472189-TC-AT.
Other names: c.2044_2045delinsAT, p.Glu682Ile (NM_001385197.1, NM_001385198.1, NM_001385200.1 and 2 more transcripts); c.1858_1859delinsAT, p.Glu620Ile (NM_001385199.1); c.1846_1847delinsAT, p.Glu616Ile (NM_001385201.1); c.1960_1961delinsAT, p.Glu654Ile (NM_001385202.1); c.1954_1955delinsAT, p.Glu652Ile (NM_001385205.1); c.1918_1919delinsAT, p.Glu640Ile (NM_001385206.1); c.2026_2027delinsAT, p.Glu676Ile (NM_001385207.1); c.2044_2045delGAinsAT, p.Glu682Ile (NM_001406461.1); short protein forms E676I, E616I, E652I, E682I, E620I, E640I, E654I.
Identifiers: ClinVar variation 2004768 (VCV002004768.4), dbSNP rs2512522509, ClinGen allele CA2580096240.

ClinVar aggregate classification (germline): Uncertain significance (1 of 4 stars; one submission).

Conditions:
Immunodeficiency 35 (IMD35). Also called: TYK2 DEFICIENCY; Susceptibility to infection due to TYK2 deficiency; HIES WITH ATYPICAL MYCOBACTERIOSIS, AUTOSOMAL RECESSIVE; HYPER-IgE SYNDROME WITH ATYPICAL MYCOBACTERIOSIS, AUTOSOMAL RECESSIVE. Identifiers: Orphanet 331226, MedGen C1969086, MONDO:0012682, OMIM 611521.

Submission:

Labcorp Genetics (formerly Invitae), Labcorp
Classification: Uncertain significance for Immunodeficiency 35. Last evaluated: 2023-10-13. Review status: criteria provided, single submitter. Criteria: Invitae Variant Classification Sherloc (09022015). Collection method: clinical testing. Allele origin: germline.
Comment: This sequence change replaces glutamic acid, which is acidic and polar, with isoleucine, which is neutral and non-polar, at codon 682 of the TYK2 protein (p.Glu682Ile). Information on the frequency of this variant in the gnomAD database is not available, as this variant may be reported differently in the database. This variant has not been reported in the literature in individuals affected with TYK2-related conditions. ClinVar contains an entry for this variant (Variation ID: 2004768). An algorithm developed to predict the effect of missense changes on protein structure and function (PolyPhen-2) suggests that this variant is likely to be disruptive. In summary, the available evidence is currently insufficient to determine the role of this variant in disease. Therefore, it has been classified as a Variant of Uncertain Significance.